The following is an entry in ClinVar:

NM_152703.5(SAMD9L):c.732A>C (p.Lys244Asn)

Gene: SAMD9L (sterile alpha motif domain containing 9 like; minus strand). Cytogenetic location: 7q21.2.
Variant type: single nucleotide variant.
Coding change: c.732A>C on transcript NM_152703.5 (MANE Select); coding-DNA position 732, A replaced by C.
Protein change: p.Lys244Asn; replaces lysine 244 with asparagine.
Molecular consequence: missense variant.
Genome position (GRCh38, 1-based): chr7:93,135,240, T>G on the plus strand (A>C on the coding strand, the complement: SAMD9L is on the minus strand). VCF-style: chr7-93135240-T-G. GRCh37 (hg19) VCF-style: chr7-92764553-T-G.
Other names: c.732A>C, p.Lys244Asn (NM_001350082.2, NM_001350083.2, NM_001350084.2 and 5 more transcripts); short protein forms K244N.
Identifiers: ClinVar variation 4863991 (VCV004863991.1).

ClinVar aggregate classification (germline): Uncertain significance (1 of 4 stars; one submission).

Conditions:
Inborn genetic diseases. Identifiers: MedGen C0950123, MeSH D030342.

gnomAD v4.1: 1 of 1,614,040 alleles (0.000062%); highest among the groups gnomAD compares: Middle Eastern, 0.017%; no homozygotes.

Submission:

Ambry Genetics
Classification: Uncertain significance for Inborn genetic diseases. Last evaluated: 2026-05-14. Review status: criteria provided, single submitter. Criteria: Ambry Variant Classification Scheme 2023. Collection method: clinical testing. Allele origin: germline.
Comment: The p.K244N variant (also known as c.732A>C), located in coding exon 1 of the SAMD9L gene, results from an A to C substitution at nucleotide position 732. The lysine at codon 244 is replaced by asparagine, an amino acid with similar properties. This amino acid position is conserved. In addition, this alteration is predicted to be tolerated by in silico analysis. Based on the available evidence, the clinical significance of this variant remains unclear.